The following is an entry in ClinVar:

NM_000038.6(APC):c.8246C>T (p.Ser2749Leu)

Gene: APC (APC regulator of Wnt signaling pathway; plus strand). Cytogenetic location: 5q22.2.
Variant type: single nucleotide variant.
Coding change: c.8246C>T on transcript NM_000038.6 (MANE Select); coding-DNA position 8246, C replaced by T.
Protein change: p.Ser2749Leu; replaces serine 2749 with leucine.
Molecular consequence: missense variant. On other transcripts: non-coding transcript variant (2).
Genome position (GRCh38, 1-based): chr5:112,843,840, C>T. VCF-style: chr5-112843840-C-T. GRCh37 (hg19) VCF-style: chr5-112179537-C-T.
Other names: c.8246C>T, p.Ser2749Leu (NM_001127510.3, NM_001354895.2, NM_001407450.1); c.8192C>T, p.Ser2731Leu (NM_001127511.3); c.8300C>T, p.Ser2767Leu (NM_001354896.2, NM_001407447.1, NM_001407448.1 and 1 more transcripts); c.8276C>T, p.Ser2759Leu (NM_001354897.2); c.8171C>T, p.Ser2724Leu (NM_001354898.2); c.8162C>T, p.Ser2721Leu (NM_001354899.2); c.8123C>T, p.Ser2708Leu (NM_001354900.2); c.8069C>T, p.Ser2690Leu (NM_001354901.2, NM_001407453.1); and 11 more; short protein forms S2666L, S2708L, S2739L, S2759L, S2648L, S2658L, S2721L, S2589L.
Identifiers: ClinVar variation 3305457 (VCV003305457.8).

ClinVar aggregate classification (germline): Uncertain significance. Review status: criteria provided, multiple submitters, no conflicts (2 of 4 stars). 2 submissions from 2 submitters: Uncertain significance (2). Last evaluated 2025-09-01.

Conditions:
Hereditary cancer-predisposing syndrome. Also called: Neoplastic Syndromes, Hereditary; Tumor predisposition; Hereditary Cancer Syndrome; Hereditary neoplastic syndrome. Identifiers: Orphanet 140162, MedGen C0027672, MeSH D009386, MONDO:0015356.

Submissions (2):

CeGaT Center for Human Genetics Tuebingen
Classification: Uncertain significance. Last evaluated: 2025-09-01. Review status: criteria provided, single submitter. Criteria: CeGaT Center For Human Genetics Tuebingen Variant Classification Criteria Version 2. Collection method: clinical testing. Allele origin: germline. Affected: yes. Observed: 1 variant allele.
Comment: APC: PM2, BP1, BP4

Ambry Genetics
Classification: Uncertain significance for Hereditary cancer-predisposing syndrome. Last evaluated: 2024-05-22. Review status: criteria provided, single submitter. Criteria: Ambry Variant Classification Scheme 2023. Collection method: clinical testing. Allele origin: germline.
Comment: The p.S2749L variant (also known as c.8246C>T), located in coding exon 15 of the APC gene, results from a C to T substitution at nucleotide position 8246. The serine at codon 2749 is replaced by leucine, an amino acid with dissimilar properties. This amino acid position is conserved. In addition, in silico predictors for this gene do not accurately predict pathogenicity. Based on the available evidence, the clinical significance of this variant remains unclear.